The following is an entry in ClinVar:

NM_000466.3(PEX1):c.897C>T (p.Asn299=)

Gene: PEX1 (peroxisomal biogenesis factor 1; minus strand). Cytogenetic location: 7q21.2.
Variant type: single nucleotide variant.
Coding change: c.897C>T on transcript NM_000466.3 (MANE Select); coding-DNA position 897, C replaced by T.
Protein change: p.Asn299=; no amino-acid change (asparagine 299 retained).
Molecular consequence: synonymous variant.
Genome position (GRCh38, 1-based): chr7:92,517,618, G>A on the plus strand (C>T on the coding strand, the complement: PEX1 is on the minus strand). VCF-style: chr7-92517618-G-A. GRCh37 (hg19) VCF-style: chr7-92146932-G-A.
Other names: c.897C>T, p.Asn299= (NM_001282677.2); c.273C>T, p.Asn91= (NM_001282678.2).
Identifiers: ClinVar variation 757343 (VCV000757343.19), dbSNP rs559305030, ClinGen allele CA4341524.

ClinVar aggregate classification (germline): Likely benign. Review status: criteria provided, multiple submitters, no conflicts (2 of 4 stars). 4 submissions from 4 submitters: Likely benign (3). 1 of the submissions does not count toward it. Last evaluated 2026-02-01.

Conditions:
Zellweger spectrum disorders (ZS). Also called: Zellweger Spectrum Disorder (ZSD); Zellweger syndrome; Zellweger Spectrum Disorder; Zellweger Spectrum. Identifiers: Orphanet 912, MedGen C0043459, MONDO:0019609.
PEX1-related disorder. Also called: PEX1-related condition.

Allele frequency attached by ClinVar (database versions not stated): ExAC 0.00001; TOPMed 0.00001; gnomAD 0.00002 and 0.00003; gnomAD exomes 0.00003 and 0.00004.
gnomAD v4.1: 48 of 1,613,932 alleles (0.003%); highest among the groups gnomAD compares: East Asian, 0.0067%; no homozygotes.

Submissions (4):

CeGaT Center for Human Genetics Tuebingen
Classification: Likely benign. Last evaluated: 2026-02-01. Review status: criteria provided, single submitter. Criteria: CeGaT Center For Human Genetics Tuebingen Variant Classification Criteria Version 2. Collection method: clinical testing. Allele origin: germline. Affected: yes. Observed: 1 variant allele.
Comment: PEX1: BP4, BP7

Labcorp Genetics (formerly Invitae), Labcorp
Classification: Likely benign for Zellweger spectrum disorders. Last evaluated: 2025-02-04. Review status: criteria provided, single submitter. Criteria: Invitae Variant Classification Sherloc (09022015). Collection method: clinical testing. Allele origin: germline.

PreventionGenetics, part of Exact Sciences
Classification: Likely benign for PEX1-related condition. Last evaluated: 2024-11-22. Review status: criteria provided, single submitter. Criteria: ACMG Guidelines, 2015. Collection method: clinical testing. Allele origin: germline.
Comment: This variant is classified as likely benign based on ACMG/AMP sequence variant interpretation guidelines (Richards et al. 2015 PMID: 25741868, with internal and published modifications).

Natera, Inc.
Classification: Likely benign for Zellweger syndrome. Last evaluated: 2021-02-26. Review status: no assertion criteria provided. Collection method: clinical testing. Allele origin: germline. Not counted in ClinVar's aggregate classification.